The following is an entry in ClinVar:

ClinVar aggregate classification (germline): Likely benign. Review status: criteria provided, single submitter (1 of 4 stars). 2 submissions from 2 submitters: Likely benign (1). 1 of the submissions does not count toward it. Last evaluated 2025-07-21.

Conditions:
ANXA11-related disorder. Also called: ANXA11-related condition.

Allele frequency attached by ClinVar (database versions not stated): gnomAD 0.00003; TOPMed 0.00005; ExAC 0.00007.
gnomAD v4.1: 50 of 1,611,690 alleles (0.0031%); highest among the groups gnomAD compares: East Asian, 0.11%; no homozygotes.

Submissions (2):

Labcorp Genetics (formerly Invitae), Labcorp
Classification: Likely benign. Last evaluated: 2025-07-21. Review status: criteria provided, single submitter. Criteria: Invitae Variant Classification Sherloc (09022015). Collection method: clinical testing. Allele origin: germline.

PreventionGenetics, part of Exact Sciences
Classification: Likely benign for ANXA11-related condition. Last evaluated: 2024-06-18. Review status: no assertion criteria provided. Collection method: clinical testing. Allele origin: germline. Not counted in ClinVar's aggregate classification.
Comment: This variant is classified as likely benign based on ACMG/AMP sequence variant interpretation guidelines (Richards et al. 2015 PMID: 25741868, with internal and published modifications).

NM_145868.2(ANXA11):c.1458+7G>A

Gene: ANXA11 (annexin A11; minus strand). Cytogenetic location: 10q22.3.
Variant type: single nucleotide variant.
Coding change: c.1458+7G>A on transcript NM_145868.2 (MANE Select); 7 bases into the intron after coding-DNA position 1458, G replaced by A.
Molecular consequence: intron variant.
Genome position (GRCh38, 1-based): chr10:80,157,634, C>T on the plus strand (G>A on the coding strand, the complement: ANXA11 is on the minus strand). VCF-style: chr10-80157634-C-T. GRCh37 (hg19) VCF-style: chr10-81917390-C-T.
Other names: c.1458+7G>A (NM_001278407.2, NM_001157.3, NM_145869.2 and 2 more transcripts); c.1359+7G>A (NM_001278409.2).
Identifiers: ClinVar variation 2741085 (VCV002741085.4), dbSNP rs755226655, ClinGen allele CA5575759.
Genomic context (GRCh38, chr10:80,157,634, plus strand): 5'-GGAGGGAGGTTCCACAGGTGACTGAGATGCCAAAAGGGAGCCCAGTTGGCCTGCAGCAGG[C>T]CCGTACCGAGATGTCGTGGTACAGCGACTTGCCGTACATCCGCTTATACTCTGATCTGAT-3'